The following is an entry in ClinVar:

ClinVar aggregate classification (germline): Uncertain significance (1 of 4 stars; one submission).

Conditions:
MAP1B-related disorder. Also called: MAP1B-related condition.

Allele frequency attached by ClinVar (database versions not stated): TOPMed below 0.00001; ExAC 0.00001; gnomAD 0.00001.
gnomAD v4.1: 4 of 1,614,114 alleles (0.00025%); highest among the groups gnomAD compares: Admixed American, 0.0033%; no homozygotes.

Submission:

PreventionGenetics, part of Exact Sciences
Classification: Uncertain significance for MAP1B-related condition. Last evaluated: 2023-04-24. Review status: criteria provided, single submitter. Criteria: ACMG Guidelines, 2015. Collection method: clinical testing. Allele origin: germline.
Comment: The MAP1B c.3791C>A variant is predicted to result in the amino acid substitution p.Pro1264Gln. To our knowledge, this variant has not been reported in the literature. This variant is reported in 0.0058% of alleles in individuals of Latino descent in gnomAD. At this time, the clinical significance of this variant is uncertain due to the absence of conclusive functional and genetic evidence.

NM_005909.5(MAP1B):c.3791C>A (p.Pro1264Gln)

Gene: MAP1B (microtubule associated protein 1B; plus strand). Cytogenetic location: 5q13.2.
Variant type: single nucleotide variant.
Coding change: c.3791C>A on transcript NM_005909.5 (MANE Select); coding-DNA position 3791, C replaced by A.
Protein change: p.Pro1264Gln; replaces proline 1264 with glutamine.
Molecular consequence: missense variant.
Genome position (GRCh38, 1-based): chr5:72,197,146, C>A. VCF-style: chr5-72197146-C-A. GRCh37 (hg19) VCF-style: chr5-71492973-C-A.
Other names: c.3413C>A, p.Pro1138Gln (NM_001324255.2); short protein forms P1138Q, P1264Q.
Identifiers: ClinVar variation 2633771 (VCV002633771.1), dbSNP rs777278694, ClinGen allele CA3299043.